The following is an entry in ClinVar:

ClinVar aggregate classification (germline): Likely pathogenic (1 of 4 stars; one submission).

Conditions:
Methylmalonic aciduria due to complete methylmalonyl-CoA mutase deficiency.

Submission:

Natera, Inc.
Classification: Likely pathogenic for Methylmalonic aciduria due to complete methylmalonyl-CoA mutase deficiency. Last evaluated: 2024-04-11. Review status: criteria provided, single submitter. Criteria: Natera Variant Classification Schema (03/2026). Collection method: clinical testing. Allele origin: germline.
Comment: The c.385+1dupG variant in MMUT is a canonical splice donor site variant predicted to affect pre-mRNA splicing, which may result in an abnormal transcript and altered protein product. This variant is expected to result in nonsense mediated decay, truncation, or a dysfunctional protein product. This variant is rare in the general population with a frequency below the threshold expected for the associated phenotype(s). Given the available evidence, this variant is classified as Likely Pathogenic.

NM_000255.4(MMUT):c.385+1dup

Gene: MMUT (methylmalonyl-CoA mutase; minus strand). Cytogenetic location: 6p12.3.
Variant type: Duplication.
Coding change: c.385+1dup on transcript NM_000255.4 (MANE Select); the canonical splice donor site of the intron after coding-DNA position 385, one base duplicated (G; older notation c.385+1dupG).
Molecular consequence: splice donor variant.
Genome position (GRCh38, 1-based): chr6:49,459,081, C duplicated on the plus strand (G on the coding strand, the reverse complement: MMUT is on the minus strand); the first of 3 consecutive C bases (chr6:49,459,081-49,459,083); duplicating any one gives the same sequence. VCF-style (leftmost placement, unchanged base first): chr6-49459080-A-AC. GRCh37 (hg19) VCF-style: chr6-49426793-A-AC.
Identifiers: ClinVar variation 4818003 (VCV004818003.1).